The following is an entry in ClinVar:

NM_007118.4(TRIO):c.586T>G (p.Ser196Ala)

Gene: TRIO (trio Rho guanine nucleotide exchange factor; plus strand). Cytogenetic location: 5p15.2.
Variant type: single nucleotide variant.
Coding change: c.586T>G on transcript NM_007118.4 (MANE Select); coding-DNA position 586, T replaced by G.
Protein change: p.Ser196Ala; replaces serine 196 with alanine.
Molecular consequence: missense variant. On other transcripts: non-coding transcript variant (1).
Genome position (GRCh38, 1-based): chr5:14,290,761, T>G. VCF-style: chr5-14290761-T-G. GRCh37 (hg19) VCF-style: chr5-14290870-T-G.
Other names: short protein forms S196A.
Identifiers: ClinVar variation 1181056 (VCV001181056.2), dbSNP rs2152284838, ClinGen allele CA359206075.

ClinVar aggregate classification (germline): Uncertain significance (1 of 4 stars; one submission).

gnomAD v4.1: 1 of 1,614,162 alleles (0.000062%); highest among the groups gnomAD compares: African/African-American, 0.0013%; no homozygotes.

Submission:

GeneDx
Classification: Uncertain significance. Last evaluated: 2021-05-05. Review status: criteria provided, single submitter. Criteria: GeneDx Variant Classification Process June 2021. Collection method: clinical testing. Allele origin: germline. Affected: yes.
Comment: Not observed in large population cohorts (Lek et al., 2016); In silico analysis, which includes protein predictors and evolutionary conservation, supports that this variant does not alter protein structure/function; Has not been previously published as pathogenic or benign to our knowledge